The following is an entry in ClinVar:

ClinVar aggregate classification (germline): Uncertain significance (1 of 4 stars; one submission).

Conditions:
Inborn genetic diseases. Identifiers: MedGen C0950123, MeSH D030342.

Submission:

Ambry Genetics
Classification: Uncertain significance for Inborn genetic diseases. Last evaluated: 2026-07-21. Review status: criteria provided, single submitter. Criteria: Ambry Variant Classification Scheme 2023. Collection method: clinical testing. Allele origin: germline.
Comment: The p.V859L variant (also known as c.2575G>T), located in coding exon 18 of the LTBP3 gene, results from a G to T substitution at nucleotide position 2575. The valine at codon 859 is replaced by leucine, an amino acid with highly similar properties. This amino acid position is conserved. In addition, this alteration is predicted to be tolerated by in silico analysis. Based on the available evidence, the clinical significance of this variant remains unclear.

NM_001130144.3(LTBP3):c.2575G>T (p.Val859Leu)

Gene: LTBP3 (latent transforming growth factor beta binding protein 3; minus strand). Cytogenetic location: 11q13.1.
Variant type: single nucleotide variant.
Coding change: c.2575G>T on transcript NM_001130144.3 (MANE Select); coding-DNA position 2575, G replaced by T.
Protein change: p.Val859Leu; replaces valine 859 with leucine.
Molecular consequence: missense variant.
Genome position (GRCh38, 1-based): chr11:65,543,126, C>A on the plus strand (G>T on the coding strand, the complement: LTBP3 is on the minus strand). VCF-style: chr11-65543126-C-A. GRCh37 (hg19) VCF-style: chr11-65310597-C-A.
Other names: c.2224G>T, p.Val742Leu (NM_001164266.1); c.2575G>T, p.Val859Leu (NM_021070.4); short protein forms V742L, V859L.
Identifiers: ClinVar variation 5023709 (VCV005023709.1).